The following is an entry in ClinVar:

NM_001330691.3(CEP78):c.574G>A (p.Gly192Arg)

Gene: CEP78 (centrosomal protein 78; plus strand). Cytogenetic location: 9q21.2.
Variant type: single nucleotide variant.
Coding change: c.574G>A on transcript NM_001330691.3 (MANE Select); coding-DNA position 574, G replaced by A.
Protein change: p.Gly192Arg; replaces glycine 192 with arginine.
Molecular consequence: missense variant.
Genome position (GRCh38, 1-based): chr9:78,241,770, G>A. VCF-style: chr9-78241770-G-A. GRCh37 (hg19) VCF-style: chr9-80856686-G-A.
Other names: c.574G>A, p.Gly192Arg (NM_001098802.3, NM_001330693.3, NM_001330694.2 and 4 more transcripts); short protein forms G192R.
Identifiers: ClinVar variation 851509 (VCV000851509.9), dbSNP rs1450996024, ClinGen allele CA374000293.

ClinVar aggregate classification (germline): Uncertain significance (1 of 4 stars; one submission).

Allele frequency attached by ClinVar (database versions not stated): gnomAD 0.00001.

Submission:

Labcorp Genetics (formerly Invitae), Labcorp
Classification: Uncertain significance. Last evaluated: 2019-12-06. Review status: criteria provided, single submitter. Criteria: Invitae Variant Classification Sherloc (09022015). Collection method: clinical testing. Allele origin: germline.
Comment: This sequence change replaces glycine with arginine at codon 192 of the CEP78 protein (p.Gly192Arg). The glycine residue is moderately conserved and there is a moderate physicochemical difference between glycine and arginine. This variant is not present in population databases (ExAC no frequency). This variant has not been reported in the literature in individuals with CEP78-related conditions. Algorithms developed to predict the effect of missense changes on protein structure and function are either unavailable or do not agree on the potential impact of this missense change (SIFT: "Deleterious"; PolyPhen-2: "Possibly Damaging"; Align-GVGD: "Class C0"). In summary, the available evidence is currently insufficient to determine the role of this variant in disease. Therefore, it has been classified as a Variant of Uncertain Significance.